The following is an entry in ClinVar:

NM_001385.3(DPYS):c.31G>C (p.Gly11Arg)

Gene: DPYS (dihydropyrimidinase; minus strand). Cytogenetic location: 8q22.3.
Variant type: single nucleotide variant.
Coding change: c.31G>C on transcript NM_001385.3 (MANE Select); coding-DNA position 31, G replaced by C.
Protein change: p.Gly11Arg; replaces glycine 11 with arginine.
Molecular consequence: missense variant.
Genome position (GRCh38, 1-based): chr8:104,466,890, C>G on the plus strand (G>C on the coding strand, the complement: DPYS is on the minus strand). VCF-style: chr8-104466890-C-G. GRCh37 (hg19) VCF-style: chr8-105479118-C-G.
Other names: c.31G>C (NM_001385.2); short protein forms G11R.
Identifiers: ClinVar variation 3777118 (VCV003777118.1).

ClinVar aggregate classification (germline): Uncertain significance (1 of 4 stars; one submission).

Conditions:
Dihydropyrimidinase deficiency (DPYSD). Also called: dihydropyrimidinuria; DPH DEFICIENCY; DPYS DEFICIENCY. Identifiers: Orphanet 38874, MedGen C0342803, MONDO:0009111, OMIM 222748.

Submission:

University of Washington Department of Laboratory Medicine, University of Washington
Classification: Uncertain significance for Dihydropyrimidinase deficiency. Last evaluated: 2022-12-28. Review status: criteria provided, single submitter. Criteria: ACMG Guidelines, 2015. Collection method: clinical testing. Allele origin: paternal. Affected: yes.
Comment: The p.Gly11Arg variant in the DPYS gene has not been previously reported in association with disease. This variant was absent from large population databases, including the Genome Aggregation Database. In silico tools predict that the p.Gly11Arg variant is deleterious; however, these predictions have not been tested directly. Using ACMG guidelines, this variant was classified as a variant of uncertain significance (ACMG evidence codes used: PM2_supporting, PP3).